The following is an entry in ClinVar:

NM_005422.4(TECTA):c.5836T>C (p.Tyr1946His)

Genes: TBCEL-TECTA (TBCEL-TECTA readthrough; plus strand), TECTA (tectorin alpha; plus strand). Cytogenetic location: 11q23.3.
Variant type: single nucleotide variant.
Coding change: c.5836T>C on transcript NM_005422.4 (MANE Select); coding-DNA position 5836, T replaced by C.
Protein change: p.Tyr1946His; replaces tyrosine 1946 with histidine.
Molecular consequence: missense variant.
Genome position (GRCh38, 1-based): chr11:121,168,762, T>C. VCF-style: chr11-121168762-T-C. GRCh37 (hg19) VCF-style: chr11-121039471-T-C.
Other names: NM_005422.2(TECTA):c.5836T>C; c.6778T>C, p.Tyr2260His (NM_001378761.1); short protein forms Y1946H, Y2260H.
Identifiers: ClinVar variation 165370 (VCV000165370.30), dbSNP rs144343770, ClinGen allele CA178113.

ClinVar aggregate classification (germline): Likely benign. Review status: reviewed by expert panel (3 of 4 stars). 10 submissions from 9 submitters: Likely benign (1). 9 of the submissions do not count toward it. Last evaluated 2019-01-28.

Conditions:
TECTA-related disorder. Also called: TECTA-related condition.
Nonsyndromic genetic hearing loss. Also called: Non-syndromic genetic deafness; Nonsyndromic genetic deafness; Nonsyndromic hearing loss and deafness. Identifiers: Orphanet 87884, MedGen C5680182, MONDO:0019497.
Autosomal recessive nonsyndromic hearing loss 21. Identifiers: Orphanet 90636, MedGen C1863655, MONDO:0011351, OMIM 603629.
Autosomal dominant nonsyndromic hearing loss 12. Also called: DEAFNESS, AUTOSOMAL DOMINANT 8. Identifiers: Orphanet 90635, MedGen C1832187, MONDO:0011102, OMIM 601543.

Allele frequency attached by ClinVar (database versions not stated): gnomAD exomes 0.00028 and 0.00049; gnomAD 0.00032 and 0.00033; ExAC 0.00040; TOPMed 0.00051; ESP Exome Variant Server 0.00054; 1000 Genomes Project 0.00060; 1000 Genomes Project 30x 0.00078.

Submissions (10):

ClinGen Hearing Loss Variant Curation Expert Panel
Classification: Likely benign for Nonsyndromic genetic hearing loss. Last evaluated: 2019-01-28. Review status: reviewed by expert panel. Criteria: ClinGen HL ACMG Specifications v1. Collection method: curation. Allele origin: germline.
Comment: The filtering allele frequency of the c.5836T>C (p.Tyr1946His) variant in the TECTA gene is 0.495% for Ashkenazi Jewish chromosomes by gnomAD (64/10370 with 95% CI), which is a high enough frequency to be classified as likely benign based on the thresholds defined by the ClinGen Hearing Loss Expert Panel (HL EP) for autosomal recessive hearing loss variants (BS1). The REVEL computational prediction analysis tool produced a score of 0.8, which is above the threshold necessary to apply PP3. The HL EP allows classification of variants as likely benign with only BS1 if no other criteria are in conflict. The HL EP reviewed the conflicting evidence (PP3) and felt it did not override the Likely Benign classification in this case since computational scores are error prone, especially when predicting pathogenicity. In summary, the HL EP classified this variant as likely benign. ACMG/AMP criteria applied, as specified by the Hearing Loss Expert Panel: BS1, PP3.

Labcorp Genetics (formerly Invitae), Labcorp
Classification: Likely benign. Last evaluated: 2026-01-12. Review status: criteria provided, single submitter. Criteria: Invitae Variant Classification Sherloc (09022015). Collection method: clinical testing. Allele origin: germline. Not counted in ClinVar's aggregate classification.

Blueprint Genetics
Classification: Likely benign. Last evaluated: 2024-11-27. Review status: criteria provided, single submitter. Criteria: ACMG Guidelines, 2015. Collection method: clinical testing. Allele origin: germline. Not counted in ClinVar's aggregate classification.

GeneDx
Classification: Likely benign. Last evaluated: 2021-04-10. Review status: criteria provided, single submitter. Criteria: GeneDx Variant Classification Process June 2021. Collection method: clinical testing. Allele origin: germline. Affected: yes. Not counted in ClinVar's aggregate classification.

Illumina Laboratory Services, Illumina
Classification: Uncertain significance for Autosomal recessive nonsyndromic hearing loss 21. Last evaluated: 2018-01-12. Review status: criteria provided, single submitter. Criteria: ICSL Variant Classification Criteria 13 December 2019. Collection method: clinical testing. Allele origin: germline. Not counted in ClinVar's aggregate classification.

Illumina Laboratory Services, Illumina
Classification: Uncertain significance for Autosomal dominant nonsyndromic hearing loss 12. Last evaluated: 2018-01-12. Review status: criteria provided, single submitter. Criteria: ICSL Variant Classification Criteria 13 December 2019. Collection method: clinical testing. Allele origin: germline. Not counted in ClinVar's aggregate classification.

Laboratory for Molecular Medicine, Mass General Brigham Personalized Medicine
Classification: Benign. Last evaluated: 2017-05-16. Review status: criteria provided, single submitter. Criteria: LMM Criteria. Collection method: clinical testing. Allele origin: germline. Observed: 6 variant alleles. Not counted in ClinVar's aggregate classification.
Comment: p.Tyr1946His in exon 19 of TECTA: This variant is not expected to have clinical significance because it has been identified in 0.6% (62/10152) of Ashkenazi Jewi sh chromosomes by the Genome Aggregation Database (gnomAD; dbSNP rs144343770).

ARUP Laboratories, Molecular Genetics and Genomics, ARUP Laboratories
Classification: Uncertain significance. Last evaluated: 2017-01-05. Review status: criteria provided, single submitter. Criteria: ARUP Molecular Germline Variant Investigation Process. Collection method: clinical testing. Allele origin: germline. Not counted in ClinVar's aggregate classification.

Breakthrough Genomics
Classification: Likely benign. Review status: criteria provided, single submitter. Criteria: ACMG Guidelines, 2015. Collection method: not provided. Allele origin: germline. Inheritance: Autosomal recessive inheritance. Affected: yes. Not counted in ClinVar's aggregate classification.

PreventionGenetics, part of Exact Sciences
Classification: Likely benign for TECTA-related condition. Last evaluated: 2021-03-18. Review status: no assertion criteria provided. Collection method: clinical testing. Allele origin: germline. Not counted in ClinVar's aggregate classification.
Comment: This variant is classified as likely benign based on ACMG/AMP sequence variant interpretation guidelines (Richards et al. 2015 PMID: 25741868, with internal and published modifications).